The following is an entry in ClinVar:

NM_005334.3(HCFC1):c.3730C>T (p.Arg1244Cys)

Gene: HCFC1 (host cell factor C1; minus strand). Cytogenetic location: Xq28.
Variant type: single nucleotide variant.
Coding change: c.3730C>T on transcript NM_005334.3 (MANE Select); coding-DNA position 3730, C replaced by T.
Protein change: p.Arg1244Cys; replaces arginine 1244 with cysteine.
Molecular consequence: missense variant.
Genome position (GRCh38, 1-based): chrX:153,954,669, G>A on the plus strand (C>T on the coding strand, the complement: HCFC1 is on the minus strand). VCF-style: chrX-153954669-G-A. GRCh37 (hg19) VCF-style: chrX-153220120-G-A.
Other names: short protein forms R1244C.
Identifiers: ClinVar variation 996880 (VCV000996880.1), dbSNP rs782155408, ClinGen allele CA10557143.

ClinVar aggregate classification (germline): Uncertain significance (1 of 4 stars; one submission).

Conditions:
Methylmalonic acidemia with homocystinuria, type cblX (MAHCX). Also called: INTELLECTUAL DEVELOPMENTAL DISORDER, X-LINKED 3. Identifiers: Orphanet 369962, MedGen C0796208, MONDO:0010657, OMIM 309541.

Allele frequency attached by ClinVar (database versions not stated): gnomAD exomes 0.00002 and 0.00003; TOPMed 0.00002; ExAC 0.00003; gnomAD 0.00004.

Submission:

New York Genome Center
Classification: Uncertain significance for Methylmalonic acidemia with homocystinuria, type cblX. Last evaluated: 2019-10-05. Review status: criteria provided, single submitter. Criteria: NYGC Assertion Criteria 2020. Collection method: clinical testing. Allele origin: maternal. Inheritance: X-linked inheritance. Observed: 1 hemizygote. Study: CSER-NYCKidSeq.
Comment: This variant is absent from ClinVar and to our current knowledge has not been reported in affected individuals in the literature. In silico algorithms do not predict this variant is damaging to the function of the canonical transcript, as it is predicted Neutral (Provean; score: -1.79) and Tolerated (SIFT; score: 0.083). The p.Arg1244 reside is within the HCF-proteolysis repeat domain of HCFC1, which is not enriched in pathogenic variants. Given the lack of compelling information regarding its pathogenicity, the c.3730C>T (p.Arg1244Cys) variant identified in the HCFC1 gene is reported here as a Variant of Uncertain Significance.